The following is an entry in ClinVar:

NM_013450.4(BAZ2B):c.4314T>C (p.Cys1438=)

Genes: BAZ2B (bromodomain adjacent to zinc finger domain 2B; minus strand), LOC126806390 (CDK7 strongly-dependent group 2 enhancer GRCh37_chr2:160205700-160206899; plus strand). Cytogenetic location: 2q24.2.
Variant type: single nucleotide variant.
Coding change: c.4314T>C on transcript NM_013450.4 (MANE Select); coding-DNA position 4314, T replaced by C.
Protein change: p.Cys1438=; no amino-acid change (cysteine 1438 retained).
Molecular consequence: synonymous variant.
Genome position (GRCh38, 1-based): chr2:159,350,257, A>G on the plus strand (T>C on the coding strand, the complement: BAZ2B is on the minus strand). VCF-style: chr2-159350257-A-G. GRCh37 (hg19) VCF-style: chr2-160206768-A-G.
Other names: c.4206T>C, p.Cys1402= (NM_001289975.1); c.4152T>C, p.Cys1384= (NM_001329857.2); c.4239T>C, p.Cys1413= (NM_001329858.2).
Identifiers: ClinVar variation 3052616 (VCV003052616.2), dbSNP rs960071828, ClinGen allele CA58703483.

ClinVar aggregate classification (germline): Likely benign (0 of 4 stars; one submission).

Conditions:
BAZ2B-related disorder. Also called: BAZ2B-related condition.

Allele frequency attached by ClinVar (database versions not stated): gnomAD 0.00001; gnomAD exomes 0.00001; TOPMed 0.00002.
gnomAD v4.1: 14 of 1,612,502 alleles (0.00087%); highest among the groups gnomAD compares: Middle Eastern, 0.016%; no homozygotes.

Submission:

PreventionGenetics, part of Exact Sciences
Classification: Likely benign for BAZ2B-related condition. Last evaluated: 2019-09-05. Review status: no assertion criteria provided. Collection method: clinical testing. Allele origin: germline.
Comment: This variant is classified as likely benign based on ACMG/AMP sequence variant interpretation guidelines (Richards et al. 2015 PMID: 25741868, with internal and published modifications).